The following is an entry in ClinVar:

ClinVar aggregate classification (germline): Uncertain significance (1 of 4 stars; one submission).

Conditions:
Neuronal ceroid lipofuscinosis. Also called: Neuronal Ceroid Lipofuscinoses. Identifiers: Orphanet 216, Orphanet 79263, MedGen C0027877, MONDO:0016295. Disease mechanism: loss of function.

Submission:

Labcorp Genetics (formerly Invitae), Labcorp
Classification: Uncertain significance for Neuronal ceroid lipofuscinosis. Last evaluated: 2022-06-05. Review status: criteria provided, single submitter. Criteria: Invitae Variant Classification Sherloc (09022015). Collection method: clinical testing. Allele origin: germline.
Comment: In summary, the available evidence is currently insufficient to determine the role of this variant in disease. Therefore, it has been classified as a Variant of Uncertain Significance. Experimental studies and prediction algorithms are not available or were not evaluated, and the functional significance of this variant is currently unknown. This variant has not been reported in the literature in individuals affected with CLN3-related conditions. This variant is not present in population databases (gnomAD no frequency). This sequence change creates a premature translational stop signal (p.Ser423Phefs*10) in the CLN3 gene. While this is not anticipated to result in nonsense mediated decay, it is expected to disrupt the last 16 amino acid(s) of the CLN3 protein.

NM_001042432.2(CLN3):c.1267dup (p.Ser423fs)

Gene: CLN3 (CLN3 lysosomal/endosomal transmembrane protein, battenin; minus strand). Cytogenetic location: 16p12.1.
Variant type: Duplication.
Coding change: c.1267dup on transcript NM_001042432.2 (MANE Select); coding-DNA position 1267, one base duplicated (T; older notation c.1267dupT).
Protein change: p.Ser423fs; shifts the reading frame from serine 423.
Molecular consequence: frameshift variant.
Genome position (GRCh38, 1-based): chr16:28,477,566, A duplicated on the plus strand (T on the coding strand, the reverse complement: CLN3 is on the minus strand). VCF-style (leftmost placement, unchanged base first): chr16-28477565-G-GA. GRCh37 (hg19) VCF-style: chr16-28488886-G-GA.
Other names: c.1267dup, p.Ser423fs (NM_000086.2); c.1195dup, p.Ser399fs (NM_001286104.2); c.967dup, p.Ser323fs (NM_001286105.2); c.1033dup, p.Ser345fs (NM_001286109.2); c.1105dup, p.Ser369fs (NM_001286110.2); short protein forms S345fs, S369fs, S423fs, S323fs, S399fs.
Identifiers: ClinVar variation 1991586 (VCV001991586.4), dbSNP rs2506414236, ClinGen allele CA2580091379.